The following is an entry in ClinVar:

NM_000179.3(MSH6):c.2419G>T (p.Glu807Ter)

Gene: MSH6 (mutS homolog 6; plus strand). Cytogenetic location: 2p16.3.
Variant type: single nucleotide variant.
Coding change: c.2419G>T on transcript NM_000179.3 (MANE Select); coding-DNA position 2419, G replaced by T.
Protein change: p.Glu807Ter; replaces glutamic acid 807 with a stop codon.
Molecular consequence: nonsense.
Genome position (GRCh38, 1-based): chr2:47,800,402, G>T. VCF-style: chr2-47800402-G-T. GRCh37 (hg19) VCF-style: chr2-48027541-G-T.
Other names: c.2029G>T, p.Glu677Ter (NM_001281492.2); c.1513G>T, p.Glu505Ter (NM_001281493.2, NM_001281494.2); short protein forms E807*, E677*, E505*.
Identifiers: ClinVar variation 505828 (VCV000505828.17), dbSNP rs587779923, ClinGen allele CA346754007.

ClinVar aggregate classification (germline): Pathogenic/Likely pathogenic. Review status: criteria provided, multiple submitters, no conflicts (2 of 4 stars). 8 submissions from 8 submitters: Pathogenic (7); Likely pathogenic (1). Last evaluated 2025-12-29.

Conditions:
Hereditary nonpolyposis colorectal neoplasms. Identifiers: MedGen C0009405, MeSH D003123.
Hereditary cancer-predisposing syndrome. Also called: Neoplastic Syndromes, Hereditary; Hereditary Cancer Syndrome; Tumor predisposition; Hereditary neoplastic syndrome. Identifiers: Orphanet 140162, MedGen C0027672, MeSH D009386, MONDO:0015356.
Lynch syndrome. Identifiers: Orphanet 144, MedGen C4552100, MONDO:0005835. Disease mechanism: loss of function.
Lynch syndrome 5 (LYNCH5). Also called: Colorectal cancer, hereditary nonpolyposis, type 5; Hereditary non-polyposis colorectal cancer, type 5. Identifiers: Orphanet 144, MedGen C1833477, MONDO:0013710, OMIM 614350. Disease mechanism: loss of function.

Submissions (8):

Center for Genomic Medicine, Rigshospitalet, Copenhagen University Hospital
Classification: Pathogenic. Last evaluated: 2025-12-29. Review status: criteria provided, single submitter. Criteria: ACMG Guidelines, 2015. Collection method: clinical testing. Allele origin: germline.

GeneDx
Classification: Pathogenic. Last evaluated: 2025-05-13. Review status: criteria provided, single submitter. Criteria: GeneDx Variant Classification Process June 2021. Collection method: clinical testing. Allele origin: germline. Affected: yes.
Comment: Nonsense variant predicted to result in protein truncation or nonsense mediated decay in a gene for which loss of function is a known mechanism of disease; Not observed at significant frequency in large population cohorts (gnomAD); Truncating variants in this gene are considered pathogenic by a well-established clinical consortium and/or database; This variant is associated with the following publications: (PMID: 31658756, 28528518, 31447099, 37509324)

Institute for Biomarker Research, Medical Diagnostic Laboratories, L.L.C.
Classification: Pathogenic for Hereditary cancer-predisposing syndrome. Last evaluated: 2025-04-30. Review status: criteria provided, single submitter. Criteria: ACMG Guidelines, 2015. Collection method: clinical testing. Allele origin: germline.
Comment: The stop gained NM_000179.3(MSH6):c.2419G>T (p.Glu807Ter) has been reported to ClinVar as Pathogenic/Likely pathogenic with a status of (2 stars) criteria provided, multiple submitters, no conflicts (Variation ID 505828 as of 2025-04-03). This variant is a stop gained variant which occurs in an exon of MSH6 upstream of where nonsense mediated decay is predicted to occur. The p.Glu807Ter variant is a loss of function variant in the gene MSH6, which is intolerant of Loss of Function variants, as indicated by the presence of existing pathogenic loss of function variant NP_000170.1:p.M1Rfs*2 and 1790 others. For these reasons, this variant has been classified as Pathogenic.

Department of Clinical Genetics, Copenhagen University Hospital, Rigshospitalet
Classification: Likely pathogenic for Lynch syndrome. Last evaluated: 2025-02-04. Review status: criteria provided, single submitter. Criteria: ACMG Guidelines, 2015. Collection method: clinical testing. Allele origin: germline.
Comment: PVS1; PM2_SUP;

Ambry Genetics
Classification: Pathogenic for Hereditary cancer-predisposing syndrome. Last evaluated: 2024-10-09. Review status: criteria provided, single submitter. Criteria: Ambry Variant Classification Scheme 2023. Collection method: clinical testing. Allele origin: germline.
Comment: The p.E807* pathogenic mutation (also known as c.2419G>T), located in coding exon 4 of the MSH6 gene, results from a G to T substitution at nucleotide position 2419. This changes the amino acid from a glutamic acid to a stop codon within coding exon 4. This variant has been observed in at least one individual with a personal and/or family history that is consistent with Lynch syndrome (Ambry internal data). This variant is considered to be rare based on population cohorts in the Genome Aggregation Database (gnomAD). This alteration is expected to result in loss of function by premature protein truncation or nonsense-mediated mRNA decay. As such, this alteration is interpreted as a disease-causing mutation.

Myriad Genetics, Inc.
Classification: Pathogenic for Lynch syndrome 5. Last evaluated: 2023-02-07. Review status: criteria provided, single submitter. Criteria: Myriad Autosomal Dominant, Autosomal Recessive and X-Linked Classification Criteria (2023). Collection method: clinical testing. Allele origin: unknown.
Comment: This variant is considered pathogenic. This variant creates a termination codon and is predicted to result in premature protein truncation.

Labcorp Genetics (formerly Invitae), Labcorp
Classification: Pathogenic for Hereditary nonpolyposis colorectal neoplasms. Last evaluated: 2018-04-16. Review status: criteria provided, single submitter. Criteria: Invitae Variant Classification Sherloc (09022015). Collection method: clinical testing. Allele origin: germline.
Comment: Loss-of-function variants in MSH6 are known to be pathogenic (PMID: 18269114, 24362816). For these reasons, this variant has been classified as Pathogenic. This variant has been reported in an individual in the InSiGHT variant database (PMID: 24362816). This sequence change creates a premature translational stop signal (p.Glu807*) in the MSH6 gene. It is expected to result in an absent or disrupted protein product. This variant is not present in population databases (ExAC no frequency).

Laboratory for Molecular Medicine, Mass General Brigham Personalized Medicine
Classification: Pathogenic for Lynch syndrome. Last evaluated: 2017-07-13. Review status: criteria provided, single submitter. Criteria: LMM Criteria. Collection method: clinical testing. Allele origin: germline. Inheritance: Autosomal dominant inheritance. Observed: 3 variant alleles.
Comment: The p.Glu807X variant in MSH6 has not been previously reported in individuals wi th Lynch syndrome and or in large population studies. This nonsense variant lead s to a premature termination codon at position 807, which is predicted to lead t o a truncated or absent protein. Heterozygous loss of function of the MSH6 gene is an established disease mechanism in Lynch syndrome. In summary, this variant meets criteria to be classified as pathogenic for Lynch syndrome in an autosomal dominant manner based upon predicted impact on the protein and absence from con trols.

Literature cited by the submitters: PubMed 18269114 (cited by Labcorp Genetics (formerly Invitae), Labcorp); PubMed 24362816 (cited by Labcorp Genetics (formerly Invitae), Labcorp).